The following is an entry in ClinVar:

NM_001013838.3(CARMIL2):c.2339G>T (p.Gly780Val)

Gene: CARMIL2 (capping protein regulator and myosin 1 linker 2; plus strand). Cytogenetic location: 16q22.1.
Variant type: single nucleotide variant.
Coding change: c.2339G>T on transcript NM_001013838.3 (MANE Select); coding-DNA position 2339, G replaced by T.
Protein change: p.Gly780Val; replaces glycine 780 with valine.
Molecular consequence: missense variant.
Genome position (GRCh38, 1-based): chr16:67,651,426, G>T. VCF-style: chr16-67651426-G-T. GRCh37 (hg19) VCF-style: chr16-67685329-G-T.
Other names: c.2231G>T, p.Gly744Val (NM_001317026.3, NM_001438244.1, NM_001438835.1); short protein forms G744V, G780V.
Identifiers: ClinVar variation 4798836 (VCV004798836.1).

ClinVar aggregate classification (germline): Uncertain significance (1 of 4 stars; one submission).

Submission:

Labcorp Genetics (formerly Invitae), Labcorp
Classification: Uncertain significance. Last evaluated: 2025-05-11. Review status: criteria provided, single submitter. Criteria: Invitae Variant Classification Sherloc (09022015). Collection method: clinical testing. Allele origin: germline.
Comment: This sequence change replaces glycine, which is neutral and non-polar, with valine, which is neutral and non-polar, at codon 780 of the CARMIL2 protein (p.Gly780Val). This variant is not present in population databases (gnomAD no frequency). This variant has not been reported in the literature in individuals affected with CARMIL2-related conditions. Invitae Evidence Modeling of protein sequence and biophysical properties (such as structural, functional, and spatial information, amino acid conservation, physicochemical variation, residue mobility, and thermodynamic stability) indicates that this missense variant is not expected to disrupt CARMIL2 protein function with a negative predictive value of 80%. In summary, the available evidence is currently insufficient to determine the role of this variant in disease. Therefore, it has been classified as a Variant of Uncertain Significance.